The following is an entry in ClinVar:

ClinVar aggregate classification (germline): Uncertain significance. Review status: criteria provided, multiple submitters, no conflicts (2 of 4 stars). 2 submissions from 2 submitters: Uncertain significance (2). Last evaluated 2026-03-18.

Conditions:
Usher syndrome type 1 (USH1). Also called: RETINITIS PIGMENTOSA AND CONGENITAL DEAFNESS. Identifiers: Orphanet 231169, Orphanet 886, MedGen C1568247, MONDO:0010168, OMIM 276900.

gnomAD v4.1: 28 of 1,608,670 alleles (0.0017%); highest among the groups gnomAD compares: East Asian, 0.0045%; no homozygotes.

Submissions (2):

Myriad Genetics, Inc.
Classification: Uncertain significance for Usher syndrome type 1. Last evaluated: 2026-03-18. Review status: criteria provided, single submitter. Criteria: Myriad Autosomal Dominant, Autosomal Recessive and X-Linked Classification Criteria (2023). Collection method: clinical testing. Allele origin: unknown.
Comment: NM_000260.3(MYO7A):c.5740G>A(E1914K) is a missense variant classified as a variant of uncertain significance in the context of MYO7A-related disorders. E1914K has been observed in cases with relevant disease (PMID: 39640791). Relevant functional assessments of this variant are not available in the literature. E1914K has been observed in referenced population frequency databases. In summary, there is insufficient evidence to classify NM_000260.3(MYO7A):c.5740G>A(E1914K) as pathogenic or benign. Please note: this variant was assessed in the context of healthy population screening.

Blueprint Genetics
Classification: Uncertain significance. Last evaluated: 2019-09-20. Review status: criteria provided, single submitter. Criteria: ACMG Guidelines, 2015. Collection method: clinical testing. Allele origin: germline.

Literature cited by the submitters: PubMed 39640791 (cited by Myriad Genetics, Inc.).

NM_000260.4(MYO7A):c.5740G>A (p.Glu1914Lys)

Gene: MYO7A (myosin VIIA; plus strand). Cytogenetic location: 11q13.5.
Variant type: single nucleotide variant.
Coding change: c.5740G>A on transcript NM_000260.4 (MANE Select); coding-DNA position 5740, G replaced by A.
Protein change: p.Glu1914Lys; replaces glutamic acid 1914 with lysine.
Molecular consequence: missense variant.
Genome position (GRCh38, 1-based): chr11:77,206,200, G>A. VCF-style: chr11-77206200-G-A. GRCh37 (hg19) VCF-style: chr11-76917245-G-A.
Other names: c.5626G>A, p.Glu1876Lys (NM_001127180.2); c.5593G>A, p.Glu1865Lys (NM_001369365.1); short protein forms E1914K, E1865K, E1876K.
Identifiers: ClinVar variation 4913300 (VCV004913300.2).
Genomic context (GRCh38, chr11:77,206,200, plus strand): 5'-GCCATCCAGCACAAGACCACCCAGATTTTCCACAAAGTCTACTTCCCTGATGACACTGAC[G>A]AGGTGAGGGTCACCGGCTTCTAGGTCTGCAGTGCCCAGGACAGGGCCGGGCTTCCTGGGT-3'
Protein context (NP_000251.3, residues 1904-1924): HKVYFPDDTD[Glu1914Lys]AFEVESSTKA